The following is an entry in ClinVar:

NM_031206.7(LAS1L):c.-14TTG[1]

Gene: LAS1L (LAS1 like ribosome biogenesis factor; minus strand). Cytogenetic location: Xq12.
Variant type: Microsatellite.
Coding change: c.-14TTG[1] on transcript NM_031206.7 (MANE Select); one copy of the 3-base unit TTG starting at c.-14; the reference has two copies in a row; one copy, 3 bases deleted.
Molecular consequence: 5 prime UTR variant. On other transcripts: non-coding transcript variant (1).
Genome position (GRCh38, 1-based): chrX:65,534,724-65,534,726, CAA deleted on the plus strand (TTG on the coding strand, the reverse complement: LAS1L is on the minus strand); deleting any 3 consecutive bases within chrX:65,534,724-65,534,731 gives the same sequence; the position shown is the placement nearest the transcript's 3' end. VCF-style (leftmost placement, unchanged base first): chrX-65534723-TCAA-T. GRCh37 (hg19) VCF-style: chrX-64754603-TCAA-T.
Other names: c.-14TTG[1] (NM_001170649.2, NM_001170650.2, NM_001375328.1 and 9 more transcripts); c.-810TTG[1] (NM_001375332.1); c.-11_-9delTTG (NM_031206.7).
Identifiers: ClinVar variation 3629592 (VCV003629592.2).
Genomic context (GRCh38, chrX:65,534,723, plus strand): 5'-AGATCCATCCCCTGGGAACCTAGACCTGGCCCGGCCCCGGATTCCCACGACATACTGAGC[TCAA>T]CAACAGGCTCTGTGCCGCGCCGCTCCGCACAGCCTTCAGCTCAGCGTGCTACCCTCACTC-3'

ClinVar aggregate classification (germline): Uncertain significance (1 of 4 stars; one submission).

Submission:

Women's Health and Genetics/Laboratory Corporation of America, LabCorp
Classification: Uncertain significance. Last evaluated: 2024-11-29. Review status: criteria provided, single submitter. Criteria: LabCorp Variant Classification Summary - May 2015. Collection method: clinical testing. Allele origin: germline.
Comment: Variant summary: LAS1L c.-11_-9delTTG is located in the untranslated mRNA region upstream of the initiation codon. The frequency data for this variant in gnomAD is considered unreliable, as metrics indicate poor data quality at this position. To our knowledge, no occurrence of c.-11_-9delTTG in individuals affected with Intellectual Developmental Disorder, X-Linked, Syndromic, Wilson-Turner Type and no experimental evidence demonstrating its impact on protein function have been reported. No submitters have cited clinical-significance assessments for this variant to ClinVar. Based on the evidence outlined above, the variant was classified as uncertain significance.